The following is an entry in ClinVar:

ClinVar aggregate classification (germline): Uncertain significance (1 of 4 stars; one submission).

Conditions:
Immunodeficiency due to CD25 deficiency. Also called: CD25 DEFICIENCY; IL2RA DEFICIENCY; IMMUNODEFICIENCY 41 WITH LYMPHOPROLIFERATION AND AUTOIMMUNITY. Identifiers: Orphanet 169100, MedGen C1853392, MONDO:0011664, OMIM 606367.

Allele frequency attached by ClinVar (database versions not stated): gnomAD exomes below 0.00001.
gnomAD v4.1: 3 of 1,611,192 alleles (0.00019%); no homozygotes.

Submission:

Labcorp Genetics (formerly Invitae), Labcorp
Classification: Uncertain significance for Immunodeficiency due to CD25 deficiency. Last evaluated: 2021-03-29. Review status: criteria provided, single submitter. Criteria: Invitae Variant Classification Sherloc (09022015). Collection method: clinical testing. Allele origin: germline.
Comment: This variant has not been reported in the literature in individuals with IL2RA-related conditions. This variant is not present in population databases (ExAC no frequency). This sequence change replaces serine with asparagine at codon 120 of the IL2RA protein (p.Ser120Asn). The serine residue is weakly conserved and there is a small physicochemical difference between serine and asparagine. Algorithms developed to predict the effect of missense changes on protein structure and function output the following: SIFT: "Tolerated"; PolyPhen-2: "Benign"; Align-GVGD: "Class C0". The asparagine amino acid residue is found in multiple mammalian species, suggesting that this missense change does not adversely affect protein function. These predictions have not been confirmed by published functional studies and their clinical significance is uncertain. In summary, the available evidence is currently insufficient to determine the role of this variant in disease. Therefore, it has been classified as a Variant of Uncertain Significance.

NM_000417.3(IL2RA):c.359G>A (p.Ser120Asn)

Gene: IL2RA (interleukin 2 receptor subunit alpha; minus strand). Cytogenetic location: 10p15.1.
Variant type: single nucleotide variant.
Coding change: c.359G>A on transcript NM_000417.3 (MANE Select); coding-DNA position 359, G replaced by A.
Protein change: p.Ser120Asn; replaces serine 120 with asparagine.
Molecular consequence: missense variant.
Genome position (GRCh38, 1-based): chr10:6,024,252, C>T on the plus strand (G>A on the coding strand, the complement: IL2RA is on the minus strand). VCF-style: chr10-6024252-C-T. GRCh37 (hg19) VCF-style: chr10-6066215-C-T.
Other names: c.359G>A, p.Ser120Asn (NM_001308242.2, NM_001308243.2); short protein forms S120N.
Identifiers: ClinVar variation 1521159 (VCV001521159.8), dbSNP rs2132857128, ClinGen allele CA375927939.